The following is an entry in ClinVar:

NM_007294.4(BRCA1):c.5506del (p.Glu1836fs)

Gene: BRCA1 (BRCA1 DNA repair associated; minus strand). Cytogenetic location: 17q21.31.
Variant type: Deletion.
Coding change: c.5506del on transcript NM_007294.4 (MANE Select); coding-DNA position 5506, one base deleted (G; older notation c.5506delG).
Protein change: p.Glu1836fs; shifts the reading frame from glutamic acid 1836.
Molecular consequence: frameshift variant. On other transcripts: 3 prime UTR variant (1), non-coding transcript variant (1).
Genome position (GRCh38, 1-based): chr17:43,045,764, C deleted on the plus strand (G on the coding strand, the reverse complement: BRCA1 is on the minus strand). VCF-style (leftmost placement, unchanged base first): chr17-43045763-TC-T. GRCh37 (hg19) VCF-style: chr17-41197780-TC-T.
Other names: c.5293delG, p.Glu1765Serfs (NM_001407571.1, NM_001407894.1, NM_001407895.1 and 12 more transcripts); c.5572delG, p.Glu1858Serfs (NM_001407581.1, NM_001407582.1); c.5569delG, p.Glu1857Serfs (NM_001407583.1, NM_001407585.1, NM_001407587.1); c.5566delG, p.Glu1856Serfs (NM_001407590.1, NM_001407591.1); c.5506delG, p.Glu1836Serfs (NM_001407593.1, NM_001407594.1, NM_001407596.1 and 5 more transcripts); c.5503delG, p.Glu1835Serfs (NM_001407610.1, NM_001407611.1, NM_001407612.1 and 14 more transcripts); c.5500delG, p.Glu1834Serfs (NM_001407627.1, NM_001407628.1, NM_001407629.1 and 13 more transcripts); c.5497delG, p.Glu1833Serfs (NM_001407644.1, NM_001407645.1); and 77 more; short protein forms E1789fs, E1836fs, E1857fs, E732fs.
Identifiers: ClinVar variation 3384162 (VCV003384162.2).

ClinVar aggregate classification (germline): Pathogenic (1 of 4 stars; one submission).

Conditions:
Hereditary breast ovarian cancer syndrome. Also called: BRCA1- and BRCA2-Associated Hereditary Breast and Ovarian Cancer; Hereditary breast and/or ovarian cancer syndrome; Hereditary breast and ovarian cancer; Hereditary breast and ovarian cancer syndrome (HBOC); Breast and ovarian cancer; Hereditary breast and ovarian cancer syndrome. Identifiers: Orphanet 145, MedGen C0677776, MeSH D061325, MONDO:0003582. Disease mechanism: loss of function.

Submission:

Breast Care Center, Daerim St. Mary`s Hospital
Classification: Pathogenic for Hereditary breast and ovarian cancer syndrome. Last evaluated: 2024-11-25. Review status: criteria provided, single submitter. Criteria: ACMG Guidelines, 2015. Collection method: clinical testing. Allele origin: germline. Inheritance: Autosomal dominant inheritance. Affected: yes. Observed: 1 heterozygote.
Comment: This Null variant (frameshift) is located in coding exon 23 of the BRCA1 gene. Loss-of-function is a well-established mechanism of disease. This variant is not reported in the gnomAD genomes or exomes database. Based on the available evidence, this variant is classified as pathogenic.